The following is an entry in ClinVar:

NM_001164665.2(KIAA1549):c.1220A>G (p.His407Arg)

Gene: KIAA1549 (KIAA1549; minus strand). Cytogenetic location: 7q34.
Variant type: single nucleotide variant.
Coding change: c.1220A>G on transcript NM_001164665.2 (MANE Select); coding-DNA position 1220, A replaced by G.
Protein change: p.His407Arg; replaces histidine 407 with arginine.
Molecular consequence: missense variant.
Genome position (GRCh38, 1-based): chr7:138,918,406, T>C on the plus strand (A>G on the coding strand, the complement: KIAA1549 is on the minus strand). VCF-style: chr7-138918406-T-C. GRCh37 (hg19) VCF-style: chr7-138603152-T-C.
Other names: c.1220A>G, p.His407Arg (NM_020910.3); c.1220A>G (NM_001164665.1); short protein forms H407R.
Identifiers: ClinVar variation 1056112 (VCV001056112.6), dbSNP rs375361081, ClinGen allele CA4506774.
Genomic context (GRCh38, chr7:138,918,406, plus strand): 5'-GGCACAGTGCAGGCCGCACACCAAGTGTATGGTCTGAATGAGGACACCGGGCTCAGGATA[T>C]GAGTGTTGTCCACAGGACCGGGGAGGGCTGAATTGCTATGCAATTCGGATGTTTTGCTGG-3'
Protein context (NP_001158137.1, residues 397-417): SALPGPVDNT[His407Arg]ILSPVSSFRP

ClinVar aggregate classification (germline): Uncertain significance. Review status: criteria provided, multiple submitters, no conflicts (2 of 4 stars). 2 submissions from 2 submitters: Uncertain significance (2). Last evaluated 2024-06-25.

Conditions:
Inborn genetic diseases. Identifiers: MedGen C0950123, MeSH D030342.

Allele frequency attached by ClinVar (database versions not stated): gnomAD exomes 0.00008; ExAC 0.00012; 1000 Genomes Project 30x 0.00016; ESP Exome Variant Server 0.00016; 1000 Genomes Project 0.00020; gnomAD 0.00021 and 0.00023; TOPMed 0.00022.
gnomAD v4.1: 111 of 1,613,888 alleles (0.0069%); highest among the groups gnomAD compares: African/African-American, 0.044%; no homozygotes.

Submissions (2):

Ambry Genetics
Classification: Uncertain significance for Inborn genetic diseases. Last evaluated: 2024-06-25. Review status: criteria provided, single submitter. Criteria: Ambry Variant Classification Scheme 2023. Collection method: clinical testing. Allele origin: germline.

Labcorp Genetics (formerly Invitae), Labcorp
Classification: Uncertain significance. Last evaluated: 2023-11-27. Review status: criteria provided, single submitter. Criteria: Invitae Variant Classification Sherloc (09022015). Collection method: clinical testing. Allele origin: germline.
Comment: This sequence change replaces histidine, which is basic and polar, with arginine, which is basic and polar, at codon 407 of the KIAA1549 protein (p.His407Arg). This variant is present in population databases (rs375361081, gnomAD 0.06%). This variant has not been reported in the literature in individuals affected with KIAA1549-related conditions. ClinVar contains an entry for this variant (Variation ID: 1056112). Algorithms developed to predict the effect of missense changes on protein structure and function output the following: SIFT: "Not Available"; PolyPhen-2: "Benign"; Align-GVGD: "Not Available". The arginine amino acid residue is found in multiple mammalian species, which suggests that this missense change does not adversely affect protein function. In summary, the available evidence is currently insufficient to determine the role of this variant in disease. Therefore, it has been classified as a Variant of Uncertain Significance.